The following is an entry in ClinVar:

NM_130799.2(MEN1):c.-844C>T

Gene: MEN1 (menin 1; minus strand). Cytogenetic location: 11q13.1.
Variant type: single nucleotide variant.
Coding change: c.-844C>T on transcript NM_130799.2; 844 bases upstream of the start codon, C replaced by T.
Genome position (GRCh38, 1-based): chr11:64,811,450, G>A on the plus strand (C>T on the coding strand, the complement: MEN1 is on the minus strand). VCF-style: chr11-64811450-G-A. GRCh37 (hg19) VCF-style: chr11-64578922-G-A.
Identifiers: ClinVar variation 679802 (VCV000679802.3), dbSNP rs7934756, ClinGen allele CA223918260.
Genomic context (GRCh38, chr11:64,811,450, plus strand): 5'-CAGAGACAGGGATTCCCAGCTACTTGGGAGGCTGAGGCGCGGGGAATCCCTTGAACCTGG[G>A]AGGCGGAGGCTTCAGTGAGCCAGAATCTTGCCACTGCACTCCAGCCTGGGCAACAGAGTG-3'

ClinVar aggregate classification (germline): Benign (1 of 4 stars; one submission).

Allele frequency attached by ClinVar (database versions not stated): TOPMed 0.10326; gnomAD 0.08485 and 0.08428; 1000 Genomes Project 0.15835; 1000 Genomes Project 30x 0.15662.

Submission:

GeneDx
Classification: Benign. Last evaluated: 2018-06-16. Review status: criteria provided, single submitter. Criteria: GeneDx Variant Classification (06012015). Collection method: clinical testing. Allele origin: germline. Affected: yes.
Comment: This variant is considered likely benign or benign based on one or more of the following criteria: it is a conservative change, it occurs at a poorly conserved position in the protein, it is predicted to be benign by multiple in silico algorithms, and/or has population frequency not consistent with disease.